The following is an entry in ClinVar:

NM_000138.5(FBN1):c.2963G>A (p.Trp988Ter)

Gene: FBN1 (fibrillin 1; minus strand). Cytogenetic location: 15q21.1.
Variant type: single nucleotide variant.
Coding change: c.2963G>A on transcript NM_000138.5 (MANE Select); coding-DNA position 2963, G replaced by A.
Protein change: p.Trp988Ter; replaces tryptophan 988 with a stop codon.
Molecular consequence: nonsense.
Genome position (GRCh38, 1-based): chr15:48,489,970, C>T on the plus strand (G>A on the coding strand, the complement: FBN1 is on the minus strand). VCF-style: chr15-48489970-C-T. GRCh37 (hg19) VCF-style: chr15-48782167-C-T.
Other names: short protein forms W988*.
Identifiers: ClinVar variation 1453834 (VCV001453834.12), dbSNP rs2043543553, ClinGen allele CA392329422.

ClinVar aggregate classification (germline): Pathogenic. Review status: criteria provided, multiple submitters, no conflicts (2 of 4 stars). 4 submissions from 4 submitters: Pathogenic (4). Last evaluated 2025-01-06.

Conditions:
Familial thoracic aortic aneurysm and aortic dissection (TAAD). Also called: Thoracic aortic aneurysms and dissections. Identifiers: Orphanet 91387, MedGen C4707243, MONDO:0019625.
Marfan syndrome (MFS). Also called: MARFAN SYNDROME, TYPE I; Marfan syndrome type 1; Marfan's syndrome; Marfan syndrome, classic; FBN1-Related Marfan Syndrome. Identifiers: Orphanet 284963, Orphanet 558, MedGen C0024796, MONDO:0007947, OMIM 154700.

Submissions (4):

GeneDx
Classification: Pathogenic. Last evaluated: 2025-01-06. Review status: criteria provided, single submitter. Criteria: GeneDx Variant Classification Process June 2021. Collection method: clinical testing. Allele origin: germline. Affected: yes.
Comment: Identified in a patient with thoracic aortic aneurysm and dissection (TAAD) and in a patient with Marfan syndrome in published literature (PMID: 36517271, 26410935); Not observed at significant frequency in large population cohorts (gnomAD); Nonsense variant predicted to result in protein truncation or nonsense mediated decay in a gene for which loss of function is a known mechanism of disease; This variant is associated with the following publications: (PMID: 26410935, 36517271)

All of Us Research Program, National Institutes of Health
Classification: Pathogenic for Marfan syndrome. Last evaluated: 2024-04-25. Review status: criteria provided, single submitter. Criteria: ACMG Guidelines, 2015. Collection method: clinical testing. Allele origin: germline. Inheritance: Autosomal dominant inheritance. Observed: 1 variant allele, 1 heterozygote.
Comment: This variant changes 1 nucleotide in exon 25/66 of the FBN1 gene, creating a premature translation stop signal. This variant is expected to result in an absent or non-functional protein product. This variant has been reported in two unrelated individuals affected with Marfan syndrome (PMID: 26410935, 27724990). This variant has not been identified in the general population by the Genome Aggregation Database (gnomAD). Loss of FBN1 function is a known mechanism of disease. Based on the available evidence, this variant is classified as Pathogenic.

This study involves interpretation of variants in research participants for the purpose of population health screening. Participant phenotype was not available at the time of variant classification. Additional details can be found in publication PMID: 35346344, PMCID: PMC8962531

Color Diagnostics, LLC DBA Color Health
Classification: Pathogenic for Familial thoracic aortic aneurysm and aortic dissection. Last evaluated: 2024-02-21. Review status: criteria provided, single submitter. Criteria: ACMG Guidelines, 2015. Collection method: clinical testing. Allele origin: germline.
Comment: This variant changes 1 nucleotide in exon 25/66 of the FBN1 gene, creating a premature translation stop signal. This variant is expected to result in an absent or non-functional protein product. This variant has been reported in two unrelated individuals affected with Marfan syndrome (PMID: 26410935, 27724990). This variant has not been identified in the general population by the Genome Aggregation Database (gnomAD). Loss of FBN1 function is a known mechanism of disease. Based on the available evidence, this variant is classified as Pathogenic.

Labcorp Genetics (formerly Invitae), Labcorp
Classification: Pathogenic for Marfan syndrome; Familial thoracic aortic aneurysm and aortic dissection. Last evaluated: 2022-02-04. Review status: criteria provided, single submitter. Criteria: Invitae Variant Classification Sherloc (09022015). Collection method: clinical testing. Allele origin: germline.
Comment: This sequence change creates a premature translational stop signal (p.Trp988*) in the FBN1 gene. It is expected to result in an absent or disrupted protein product. Loss-of-function variants in FBN1 are known to be pathogenic (PMID: 17657824, 19293843). This variant is not present in population databases (gnomAD no frequency). This premature translational stop signal has been observed in individuals with Marfan syndrome (PMID: 26410935, 27724990). For these reasons, this variant has been classified as Pathogenic.

Literature cited by the submitters: PubMed 26410935 (cited by 3 submitters); PubMed 27724990 (cited by 3 submitters); PubMed 17657824 (cited by Labcorp Genetics (formerly Invitae), Labcorp); PubMed 19293843 (cited by Labcorp Genetics (formerly Invitae), Labcorp).